The following is an entry in ClinVar:

NM_001283009.2(RTEL1):c.3047T>C (p.Leu1016Pro)

Genes: RTEL1 (regulator of telomere elongation helicase 1; plus strand), RTEL1-TNFRSF6B (RTEL1-TNFRSF6B readthrough (NMD candidate); plus strand). Cytogenetic location: 20q13.33.
Variant type: single nucleotide variant.
Coding change: c.3047T>C on transcript NM_001283009.2 (MANE Select); coding-DNA position 3047, T replaced by C.
Protein change: p.Leu1016Pro; replaces leucine 1016 with proline.
Molecular consequence: missense variant. On other transcripts: non-coding transcript variant (1).
Genome position (GRCh38, 1-based): chr20:63,694,426, T>C. VCF-style: chr20-63694426-T-C. GRCh37 (hg19) VCF-style: chr20-62325779-T-C.
Other names: c.2378T>C, p.Leu793Pro (NM_001283010.1); c.3047T>C, p.Leu1016Pro (NM_016434.4); c.3119T>C, p.Leu1040Pro (NM_032957.5); short protein forms L793P, L1016P, L1040P.
Identifiers: ClinVar variation 4825678 (VCV004825678.1).

ClinVar aggregate classification (germline): Uncertain significance (1 of 4 stars; one submission).

Conditions:
Inborn genetic diseases. Identifiers: MedGen C0950123, MeSH D030342.

gnomAD v4.1: 1 of 1,612,232 alleles (0.000062%); no homozygotes.

Submission:

Ambry Genetics
Classification: Uncertain significance for Inborn genetic diseases. Last evaluated: 2026-02-16. Review status: criteria provided, single submitter. Criteria: Ambry Variant Classification Scheme 2023. Collection method: clinical testing. Allele origin: germline.
Comment: The p.L1016P variant (also known as c.3047T>C), located in coding exon 30 of the RTEL1 gene, results from a T to C substitution at nucleotide position 3047. The leucine at codon 1016 is replaced by proline, an amino acid with similar properties. This amino acid position is conserved. In addition, this alteration is predicted to be deleterious by in silico analysis. Based on the available evidence, the clinical significance of this variant remains unclear.